The following is an entry in ClinVar:

ClinVar aggregate classification (germline): Likely benign. Review status: criteria provided, multiple submitters, no conflicts (2 of 4 stars). 4 submissions from 4 submitters: Likely benign (4). Last evaluated 2026-04-29.

Conditions:
MFN2-related disorder. Also called: MFN2-related disorders; MFN2-related condition.
Charcot-Marie-Tooth disease type 2. Also called: Charcot-Marie-Tooth type 2. Identifiers: Orphanet 64746, MedGen C0270914, MONDO:0018993.

Allele frequency attached by ClinVar (database versions not stated): gnomAD 0.00001 and 0.00002; ExAC 0.00002; TOPMed 0.00002; gnomAD exomes 0.00003 and 0.00004.

Submissions (4):

PreventionGenetics, part of Exact Sciences
Classification: Likely benign for MFN2-related condition. Last evaluated: 2026-04-29. Review status: criteria provided, single submitter. Criteria: ACMG Guidelines, 2015. Collection method: clinical testing. Allele origin: germline.
Comment: This variant is classified as likely benign based on ACMG/AMP sequence variant interpretation guidelines (Richards et al. 2015 PMID: 25741868, with internal and published modifications).

Labcorp Genetics (formerly Invitae), Labcorp
Classification: Likely benign for Charcot-Marie-Tooth disease type 2. Last evaluated: 2025-07-29. Review status: criteria provided, single submitter. Criteria: Invitae Variant Classification Sherloc (09022015). Collection method: clinical testing. Allele origin: germline.

Blueprint Genetics
Classification: Likely benign. Last evaluated: 2022-11-07. Review status: criteria provided, single submitter. Criteria: ACMG Guidelines, 2015. Collection method: clinical testing. Allele origin: germline.

GeneDx
Classification: Likely benign. Last evaluated: 2019-03-28. Review status: criteria provided, single submitter. Criteria: GeneDx Variant Classification Process June 2021. Collection method: clinical testing. Allele origin: germline. Affected: yes.

NM_014874.4(MFN2):c.525C>T (p.Ala175=)

Gene: MFN2 (mitofusin 2; plus strand). Cytogenetic location: 1p36.22.
Variant type: single nucleotide variant.
Coding change: c.525C>T on transcript NM_014874.4 (MANE Select); coding-DNA position 525, C replaced by T.
Protein change: p.Ala175=; no amino-acid change (alanine 175 retained).
Molecular consequence: synonymous variant.
Genome position (GRCh38, 1-based): chr1:11,997,347, C>T. VCF-style: chr1-11997347-C-T. GRCh37 (hg19) VCF-style: chr1-12057404-C-T.
Other names: c.525C>T, p.Ala175= (NM_001127660.2).
Identifiers: ClinVar variation 1243872 (VCV001243872.12), dbSNP rs751505990, ClinGen allele CA598849.